The following is an entry in ClinVar:

ClinVar aggregate classification (germline): Uncertain significance (1 of 4 stars; one submission).

Allele frequency attached by ClinVar (database versions not stated): gnomAD exomes 0.00001.
gnomAD v4.1: 14 of 1,614,132 alleles (0.00087%); highest among the groups gnomAD compares: Non-Finnish European, 0.0011%; no homozygotes.

Submission:

Labcorp Genetics (formerly Invitae), Labcorp
Classification: Uncertain significance. Last evaluated: 2020-02-21. Review status: criteria provided, single submitter. Criteria: Invitae Variant Classification Sherloc (09022015). Collection method: clinical testing. Allele origin: germline.
Comment: This sequence change replaces lysine with glutamic acid at codon 9 of the SLC25A12 protein (p.Lys9Glu). The lysine residue is moderately conserved and there is a small physicochemical difference between lysine and glutamic acid. This variant is not present in population databases (ExAC no frequency). This variant has not been reported in the literature in individuals with SLC25A12-related conditions. Algorithms developed to predict the effect of missense changes on protein structure and function (SIFT, PolyPhen-2, Align-GVGD) all suggest that this variant is likely to be tolerated, but these predictions have not been confirmed by published functional studies and their clinical significance is uncertain. In summary, the available evidence is currently insufficient to determine the role of this variant in disease. Therefore, it has been classified as a Variant of Uncertain Significance.

NM_003705.5(SLC25A12):c.25A>G (p.Lys9Glu)

Gene: SLC25A12 (solute carrier family 25 member 12; minus strand). Cytogenetic location: 2q31.1.
Variant type: single nucleotide variant.
Coding change: c.25A>G on transcript NM_003705.5 (MANE Select); coding-DNA position 25, A replaced by G.
Protein change: p.Lys9Glu; replaces lysine 9 with glutamic acid.
Molecular consequence: missense variant. On other transcripts: non-coding transcript variant (1).
Genome position (GRCh38, 1-based): chr2:171,893,246, T>C on the plus strand (A>G on the coding strand, the complement: SLC25A12 is on the minus strand). VCF-style: chr2-171893246-T-C. GRCh37 (hg19) VCF-style: chr2-172749756-T-C.
Other names: short protein forms K9E.
Identifiers: ClinVar variation 834113 (VCV000834113.9), dbSNP rs1685983663, ClinGen allele CA349643948.